The following is an entry in ClinVar:

NM_001287.6(CLCN7):c.2251-2A>G

Gene: CLCN7 (chloride voltage-gated channel 7; minus strand). Cytogenetic location: 16p13.3.
Variant type: single nucleotide variant.
Coding change: c.2251-2A>G on transcript NM_001287.6 (MANE Select); the canonical splice acceptor site of the intron before coding-DNA position 2251, A replaced by G.
Molecular consequence: splice acceptor variant.
Genome position (GRCh38, 1-based): chr16:1,447,088, T>C on the plus strand (A>G on the coding strand, the complement: CLCN7 is on the minus strand). VCF-style: chr16-1447088-T-C. GRCh37 (hg19) VCF-style: chr16-1497089-T-C.
Other names: c.2179-2A>G (NM_001114331.3).
Identifiers: ClinVar variation 3658162 (VCV003658162.2).

ClinVar aggregate classification (germline): Likely pathogenic (1 of 4 stars; one submission).

Submission:

Labcorp Genetics (formerly Invitae), Labcorp
Classification: Likely pathogenic. Last evaluated: 2024-07-12. Review status: criteria provided, single submitter. Criteria: Invitae Variant Classification Sherloc (09022015). Collection method: clinical testing. Allele origin: germline.
Comment: This sequence change affects an acceptor splice site in intron 23 of the CLCN7 gene. It is expected to disrupt RNA splicing. Variants that disrupt the donor or acceptor splice site typically lead to a loss of protein function (PMID: 16199547), and loss-of-function variants in CLCN7 are known to be pathogenic (PMID: 14584882, 19953639). This variant is not present in population databases (gnomAD no frequency). This variant has not been reported in the literature in individuals affected with CLCN7-related conditions. Algorithms developed to predict the effect of sequence changes on RNA splicing suggest that this variant may disrupt the consensus splice site. In summary, the currently available evidence indicates that the variant is pathogenic, but additional data are needed to prove that conclusively. Therefore, this variant has been classified as Likely Pathogenic.

Literature cited by the submitters: PubMed 16199547; PubMed 14584882; PubMed 19953639.